The following is an entry in ClinVar:

NM_005228.5(EGFR):c.2175G>C (p.Thr725=)

Gene: EGFR (epidermal growth factor receptor; plus strand). Cytogenetic location: 7p11.2.
Variant type: single nucleotide variant.
Coding change: c.2175G>C on transcript NM_005228.5 (MANE Select); coding-DNA position 2175, G replaced by C.
Protein change: p.Thr725=; no amino-acid change (threonine 725 retained).
Molecular consequence: synonymous variant.
Genome position (GRCh38, 1-based): chr7:55,174,034, G>C. VCF-style: chr7-55174034-G-C. GRCh37 (hg19) VCF-style: chr7-55241727-G-C.
Other names: c.2175G>C (NM_005228.3); c.2040G>C, p.Thr680= (NM_001346897.2, NM_001346899.2); c.2175G>C, p.Thr725= (NM_001346898.2); c.2016G>C, p.Thr672= (NM_001346900.2); c.1374G>C, p.Thr458= (NM_001346941.2).
Identifiers: ClinVar variation 1080352 (VCV001080352.11), dbSNP rs55959834, ClinGen allele CA4265989.

ClinVar aggregate classification (germline): Benign/Likely benign. Review status: criteria provided, multiple submitters, no conflicts (2 of 4 stars). 3 submissions from 3 submitters: Benign (1); Likely benign (2). Last evaluated 2025-12-24.

Conditions:
Lung cancer. Also called: Malignant tumor of lung; Lung cancer, somatic. Identifiers: MedGen C0242379, MONDO:0008903, OMIM 211980.
Hereditary cancer-predisposing syndrome. Also called: Hereditary Cancer Syndrome; Hereditary neoplastic syndrome; Tumor predisposition; Neoplastic Syndromes, Hereditary. Identifiers: Orphanet 140162, MedGen C0027672, MeSH D009386, MONDO:0015356.
EGFR-related lung cancer (EGFR). Identifiers: MedGen CN130014.

gnomAD v4.1: 1 of 1,614,216 alleles (0.000062%); highest among the groups gnomAD compares: Non-Finnish European, 0.000085%; no homozygotes.

Submissions (3):

Labcorp Genetics (formerly Invitae), Labcorp
Classification: Likely benign for EGFR-related lung cancer. Last evaluated: 2025-12-24. Review status: criteria provided, single submitter. Criteria: Invitae Variant Classification Sherloc (09022015). Collection method: clinical testing. Allele origin: germline.

Ambry Genetics
Classification: Likely benign for Hereditary cancer-predisposing syndrome. Last evaluated: 2025-05-27. Review status: criteria provided, single submitter. Criteria: Ambry Variant Classification Scheme 2023. Collection method: clinical testing. Allele origin: germline.

Myriad Genetics, Inc.
Classification: Benign for Lung cancer. Last evaluated: 2024-10-16. Review status: criteria provided, single submitter. Criteria: Myriad Autosomal Dominant, Autosomal Recessive and X-Linked Classification Criteria (2023). Collection method: clinical testing. Allele origin: unknown.
Comment: This variant is considered benign. This variant is a silent/synonymous amino acid change and it is not expected to impact splicing.